The following is an entry in ClinVar:

NM_001204.7(BMPR2):c.746T>C (p.Val249Ala)

Gene: BMPR2 (bone morphogenetic protein receptor type 2; plus strand). Cytogenetic location: 2q33.2.
Variant type: single nucleotide variant.
Coding change: c.746T>C on transcript NM_001204.7 (MANE Select); coding-DNA position 746, T replaced by C.
Protein change: p.Val249Ala; replaces valine 249 with alanine.
Molecular consequence: missense variant.
Genome position (GRCh38, 1-based): chr2:202,518,946, T>C. VCF-style: chr2-202518946-T-C. GRCh37 (hg19) VCF-style: chr2-203383669-T-C.
Other names: short protein forms V249A.
Identifiers: ClinVar variation 4867603 (VCV004867603.1).

ClinVar aggregate classification (germline): Uncertain significance (1 of 4 stars; one submission).

Conditions:
Inborn genetic diseases. Identifiers: MedGen C0950123, MeSH D030342.

gnomAD v4.1: 1 of 1,614,140 alleles (0.000062%); highest among the groups gnomAD compares: Non-Finnish European, 0.000085%; no homozygotes.

Submission:

Ambry Genetics
Classification: Uncertain significance for Inborn genetic diseases. Last evaluated: 2026-04-13. Review status: criteria provided, single submitter. Criteria: Ambry Variant Classification Scheme 2023. Collection method: clinical testing. Allele origin: germline.
Comment: The p.V249A variant (also known as c.746T>C), located in coding exon 6 of the BMPR2 gene, results from a T to C substitution at nucleotide position 746. The valine at codon 249 is replaced by alanine, an amino acid with similar properties. This amino acid position is conserved. In addition, the in silico prediction for this alteration is inconclusive. Based on the available evidence, the clinical significance of this variant remains unclear.